The following is an entry in ClinVar:

ClinVar aggregate classification (germline): Pathogenic/Likely pathogenic. Review status: criteria provided, multiple submitters, no conflicts (2 of 4 stars). 6 submissions from 6 submitters: Pathogenic (3); Likely pathogenic (2). 1 of the submissions does not count toward it. Last evaluated 2025-09-20.

Conditions:
EMC1-related disorder. Also called: EMC1-related condition.
Cerebellar atrophy, visual impairment, and psychomotor retardation;. Also called: Cerebellar atrophy, visual impairment, and psychomotor retardation. Identifiers: MedGen C4225172, MONDO:0014811, OMIM 616875.
Retinal dystrophy. Also called: Inherited retinal dystrophy. Identifiers: Orphanet 71862, MedGen C0854723, MeSH D058499, MONDO:0019118, HP:0000556.

Submissions (6):

Dasa
Classification: Likely pathogenic. Last evaluated: 2025-09-20. Review status: criteria provided, single submitter. Criteria: DASA Assertion Criteria. Collection method: clinical testing. Allele origin: germline.
Comment: NM_015047.3(EMC1):c.205C>T (p.Arg69Ter) is a nonsense variant in EMC1 predicted to introduce a premature termination codon and is predicted to result in an absent or altered protein product. Loss of function is an established disease mechanism for EMC1-associated disorders. Also, this variant is rare in population databases. Based on the currently available evidence, this variant is classified as likely pathogenic.

Labcorp Genetics (formerly Invitae), Labcorp
Classification: Pathogenic. Last evaluated: 2025-08-04. Review status: criteria provided, single submitter. Criteria: Invitae Variant Classification Sherloc (09022015). Collection method: clinical testing. Allele origin: germline.
Comment: This sequence change creates a premature translational stop signal (p.Arg69*) in the EMC1 gene. It is expected to result in an absent or disrupted protein product. Loss-of-function variants in EMC1 are known to be pathogenic (PMID: 26572623, 26942288, 29271071). This variant is present in population databases (rs757025272, gnomAD 0.009%). This variant has not been reported in the literature in individuals affected with EMC1-related conditions. ClinVar contains an entry for this variant (Variation ID: 1357922). For these reasons, this variant has been classified as Pathogenic.

Variantyx, Inc.
Classification: Pathogenic for Cerebellar atrophy, visual impairment, and psychomotor retardation;. Last evaluated: 2025-07-15. Review status: criteria provided, single submitter. Criteria: Variantyx Assertion Criteria 2022. Collection method: clinical testing. Allele origin: germline. Inheritance: Autosomal recessive inheritance.
Comment: This is a nonsense variant in the EMC1 gene (OMIM: 616846). Pathogenic variants in this gene have been associated with autosomal recessive cerebellar atrophy, visual impairment, and psychomotor delay. This variant introduces a premature termination codon in exon 2 out of 23 and is expected to result in loss of function, which is a known disease mechanism for EMC1 in this disorder (PMID: 26572623, 26942288, 29271071) (PVS1). This variant has a 0.0099% maximum allele frequency in non-founder control populations (PM2_Supporting). Based on the current evidence, this variant is classified as athogenic for autosomal recessive cerebellar atrophy, visual impairment, and psychomotor delay.

Women's Health and Genetics/Laboratory Corporation of America, LabCorp
Classification: Pathogenic for Cerebellar atrophy, visual impairment, and psychomotor retardation;. Last evaluated: 2025-05-29. Review status: criteria provided, single submitter. Criteria: LabCorp Variant Classification Summary - May 2015. Collection method: clinical testing. Allele origin: germline.
Comment: Variant summary: EMC1 c.205C>T (p.Arg69X) results in a premature termination codon, predicted to cause a truncation of the encoded protein or absence of the protein due to nonsense mediated decay, which are commonly known mechanisms for disease. The variant allele was found at a frequency of 4e-05 in 251438 control chromosomes. This frequency is not significantly higher than estimated for a pathogenic variant in EMC1 causing Cerebellar Atrophy, Visual Impairment, And Psychomotor Retardation, allowing no conclusion about variant significance. To our knowledge, no occurrence of c.205C>T in individuals affected with Cerebellar Atrophy, Visual Impairment, And Psychomotor Retardation and no experimental evidence demonstrating its impact on protein function have been reported. ClinVar contains an entry for this variant (Variation ID: 1357922). Based on the evidence outlined above, the variant was classified as pathogenic.

Blueprint Genetics
Classification: Likely pathogenic for EMC1-related disorders. Last evaluated: 2024-11-26. Review status: criteria provided, single submitter. Criteria: ACMG Guidelines, 2015. Collection method: clinical testing. Allele origin: germline. Affected: yes. Observed: 5 variant alleles.

Institute of Human Genetics, Univ. Regensburg, Univ. Regensburg
Classification: Pathogenic for Retinal dystrophy. Last evaluated: 2022-01-01. Review status: no assertion criteria provided. Criteria: ACMG Guidelines, 2015. Collection method: clinical testing. Allele origin: germline. Affected: yes. Not counted in ClinVar's aggregate classification.

Literature cited by the submitters: PubMed 26572623 (cited by Labcorp Genetics (formerly Invitae), Labcorp and Variantyx, Inc.); PubMed 26942288 (cited by Labcorp Genetics (formerly Invitae), Labcorp and Variantyx, Inc.); PubMed 29271071 (cited by Labcorp Genetics (formerly Invitae), Labcorp and Variantyx, Inc.).

NM_015047.3(EMC1):c.205C>T (p.Arg69Ter)

Gene: EMC1 (ER membrane protein complex subunit 1; minus strand). Cytogenetic location: 1p36.13.
Variant type: single nucleotide variant.
Coding change: c.205C>T on transcript NM_015047.3 (MANE Select); coding-DNA position 205, C replaced by T.
Protein change: p.Arg69Ter; replaces arginine 69 with a stop codon.
Molecular consequence: nonsense.
Genome position (GRCh38, 1-based): chr1:19,244,921, G>A on the plus strand (C>T on the coding strand, the complement: EMC1 is on the minus strand). VCF-style: chr1-19244921-G-A. GRCh37 (hg19) VCF-style: chr1-19571415-G-A.
Other names: c.205C>T, p.Arg69Ter (NM_001271427.2, NM_001271428.2, NM_001271429.2 and 2 more transcripts); short protein forms R69*.
Identifiers: ClinVar variation 1357922 (VCV001357922.11), dbSNP rs757025272, ClinGen allele CA653024.